The following is an entry in ClinVar:

ClinVar aggregate classification (germline): Benign/Likely benign. Review status: criteria provided, multiple submitters, no conflicts (2 of 4 stars). 8 submissions from 8 submitters: Benign (3); Likely benign (4). 1 of the submissions does not count toward it. Last evaluated 2026-02-03.

Conditions:
ZEB2-related disorder. Also called: ZEB2-related condition.
Inborn genetic diseases. Identifiers: MedGen C0950123, MeSH D030342.
Mowat-Wilson syndrome (MOWS). Also called: Classic Mowat-Wilson Syndrome. Identifiers: Orphanet 2152, MedGen C1856113, MONDO:0009341, OMIM 235730.

Allele frequency attached by ClinVar (database versions not stated): gnomAD exomes 0.00013 and 0.00016; ExAC 0.00014; gnomAD 0.00015; TOPMed 0.00016; ESP Exome Variant Server 0.00023; 1000 Genomes Project 0.00040; 1000 Genomes Project 30x 0.00047.
gnomAD v4.1: 223 of 1,613,612 alleles (0.014%); highest among the groups gnomAD compares: Admixed American, 0.06%; no homozygotes.

Submissions (8):

Labcorp Genetics (formerly Invitae), Labcorp
Classification: Benign for Mowat-Wilson syndrome. Last evaluated: 2026-02-03. Review status: criteria provided, single submitter. Criteria: Invitae Variant Classification Sherloc (09022015). Collection method: clinical testing. Allele origin: germline.

Blueprint Genetics
Classification: Likely benign. Last evaluated: 2024-06-25. Review status: criteria provided, single submitter. Criteria: ACMG Guidelines, 2015. Collection method: clinical testing. Allele origin: germline.

Genome-Nilou Lab
Classification: Benign for Mowat-Wilson syndrome. Last evaluated: 2021-11-07. Review status: criteria provided, single submitter. Criteria: ACMG Guidelines, 2015. Collection method: clinical testing. Allele origin: germline. Affected: no.

GeneDx
Classification: Benign. Last evaluated: 2020-08-04. Review status: criteria provided, single submitter. Criteria: GeneDx Variant Classification Process June 2021. Collection method: clinical testing. Allele origin: germline. Affected: yes.

Mendelics
Classification: Likely benign for Mowat-Wilson syndrome. Last evaluated: 2019-05-28. Review status: criteria provided, single submitter. Criteria: Mendelics Assertion Criteria 2017. Collection method: clinical testing. Allele origin: unknown.

Ambry Genetics
Classification: Likely benign for Inborn genetic diseases. Last evaluated: 2017-12-27. Review status: criteria provided, single submitter. Criteria: Ambry Variant Classification Scheme 2023. Collection method: clinical testing. Allele origin: germline.

Center for Pediatric Genomic Medicine, Children's Mercy Hospital and Clinics
Classification: Likely benign. Last evaluated: 2017-07-05. Review status: criteria provided, single submitter. Criteria: ACMG Guidelines, 2015. Collection method: clinical testing. Allele origin: germline.

PreventionGenetics, part of Exact Sciences
Classification: Benign for ZEB2-related condition. Last evaluated: 2023-09-08. Review status: no assertion criteria provided. Collection method: clinical testing. Allele origin: germline. Not counted in ClinVar's aggregate classification.
Comment: This variant is classified as benign based on ACMG/AMP sequence variant interpretation guidelines (Richards et al. 2015 PMID: 25741868, with internal and published modifications).

NM_014795.4(ZEB2):c.10C>G (p.Pro4Ala)

Gene: ZEB2 (zinc finger E-box binding homeobox 2; minus strand). Cytogenetic location: 2q22.3.
Variant type: single nucleotide variant.
Coding change: c.10C>G on transcript NM_014795.4 (MANE Select); coding-DNA position 10, C replaced by G.
Protein change: p.Pro4Ala; replaces proline 4 with alanine.
Molecular consequence: missense variant. On other transcripts: non-coding transcript variant (1).
Genome position (GRCh38, 1-based): chr2:144,517,341, G>C on the plus strand (C>G on the coding strand, the complement: ZEB2 is on the minus strand). VCF-style: chr2-144517341-G-C. GRCh37 (hg19) VCF-style: chr2-145274908-G-C.
Other names: p.P4A:CCG>GCG; c.10C>G, p.Pro4Ala (NM_001171653.2); short protein forms P4A.
Identifiers: ClinVar variation 181761 (VCV000181761.25), dbSNP rs146394306, ClinGen allele CA297641.
Genomic context (GRCh38, chr2:144,517,341, plus strand): 5'-TTTTCCTCCTGGGATTGGCTTGTTTGCGCCTCTTGCACCGGGGGCCATCCGCCATGATCG[G>C]CTGCTTCATTGATAAGAGCGGATCAGATGGCAGTTCGCATGGACTCGGCGCCCTGCTTCG-3'
Protein context (NP_055610.1, residues 1-14): MKQ[Pro4Ala]IMADGPRCKR